The following is an entry in ClinVar:

NM_001008537.3(NEXMIF):c.4145A>G (p.Asn1382Ser)

Gene: NEXMIF (neurite extension and migration factor; minus strand). Cytogenetic location: Xq13.3.
Variant type: single nucleotide variant.
Coding change: c.4145A>G on transcript NM_001008537.3 (MANE Select); coding-DNA position 4145, A replaced by G.
Protein change: p.Asn1382Ser; replaces asparagine 1382 with serine.
Molecular consequence: missense variant.
Genome position (GRCh38, 1-based): chrX:74,740,412, T>C on the plus strand (A>G on the coding strand, the complement: NEXMIF is on the minus strand). VCF-style: chrX-74740412-T-C. GRCh37 (hg19) VCF-style: chrX-73960247-T-C.
Other names: short protein forms N1382S.
Identifiers: ClinVar variation 502305 (VCV000502305.9), dbSNP rs1556016213, ClinGen allele CA413663926.

ClinVar aggregate classification (germline): Uncertain significance. Review status: criteria provided, multiple submitters, no conflicts (2 of 4 stars). 3 submissions from 3 submitters: Uncertain significance (3). Last evaluated 2025-02-12.

Allele frequency attached by ClinVar (database versions not stated): gnomAD exomes below 0.00001; TOPMed below 0.00001; gnomAD 0.00001.
gnomAD v4.1: 3 of 1,209,333 alleles (0.00025%); highest among the groups gnomAD compares: African/African-American, 0.0035%; no homozygotes.

Submissions (3):

Labcorp Genetics (formerly Invitae), Labcorp
Classification: Uncertain significance. Last evaluated: 2025-02-12. Review status: criteria provided, single submitter. Criteria: Invitae Variant Classification Sherloc (09022015). Collection method: clinical testing. Allele origin: germline.
Comment: This sequence change replaces asparagine, which is neutral and polar, with serine, which is neutral and polar, at codon 1382 of the NEXMIF protein (p.Asn1382Ser). This variant is not present in population databases (gnomAD no frequency). This variant has not been reported in the literature in individuals affected with NEXMIF-related conditions. ClinVar contains an entry for this variant (Variation ID: 502305). An algorithm developed to predict the effect of missense changes on protein structure and function outputs the following: PolyPhen-2: "Benign". The serine amino acid residue is found in multiple mammalian species, which suggests that this missense change does not adversely affect protein function. In summary, the available evidence is currently insufficient to determine the role of this variant in disease. Therefore, it has been classified as a Variant of Uncertain Significance.

Ambry Genetics
Classification: Uncertain significance. Last evaluated: 2018-12-19. Review status: criteria provided, single submitter. Criteria: Ambry Variant Classification Scheme 2023. Collection method: clinical testing. Allele origin: germline.
Comment: The p.N1382S variant (also known as c.4145A>G), located in coding exon 2 of the KIAA2022 gene, results from an A to G substitution at nucleotide position 4145. The asparagine at codon 1382 is replaced by serine, an amino acid with highly similar properties. This amino acid position is not well conserved in available vertebrate species, and serine is the reference amino acid in other vertebrate species. In addition, this alteration is predicted to be tolerated by in silico analysis. Since supporting evidence is limited at this time, the clinical significance of this alteration remains unclear.

Eurofins Ntd Llc (ga)
Classification: Uncertain significance. Last evaluated: 2017-06-01. Review status: criteria provided, single submitter. Criteria: EGL Classification Definitions 2015. Collection method: clinical testing. Allele origin: germline. Observed: 1 variant allele, 1 hemizygote.